The following is an entry in ClinVar:

NM_006218.4(PIK3CA):c.1140T>A (p.Asn380Lys)

Gene: PIK3CA (phosphatidylinositol-4,5-bisphosphate 3-kinase catalytic subunit alpha; plus strand). Cytogenetic location: 3q26.32.
Variant type: single nucleotide variant.
Coding change: c.1140T>A on transcript NM_006218.4 (MANE Select); coding-DNA position 1140, T replaced by A.
Protein change: p.Asn380Lys; replaces asparagine 380 with lysine.
Molecular consequence: missense variant.
Genome position (GRCh38, 1-based): chr3:179,204,583, T>A. VCF-style: chr3-179204583-T-A. GRCh37 (hg19) VCF-style: chr3-178922371-T-A.
Other names: short protein forms N380K.
Identifiers: ClinVar variation 4136823 (VCV004136823.1).

ClinVar aggregate classification (germline): Uncertain significance (1 of 4 stars; one submission).

Conditions:
Inborn genetic diseases. Identifiers: MedGen C0950123, MeSH D030342.

Submission:

Ambry Genetics
Classification: Uncertain significance for Inborn genetic diseases. Last evaluated: 2025-09-11. Review status: criteria provided, single submitter. Criteria: Ambry Variant Classification Scheme 2023. Collection method: clinical testing. Allele origin: germline.
Comment: The p.N380K variant (also known as c.1140T>A), located in coding exon 5 of the PIK3CA gene, results from a T to A substitution at nucleotide position 1140. The asparagine at codon 380 is replaced by lysine, an amino acid with similar properties. This amino acid position is conserved. In addition, this alteration is predicted to be tolerated by in silico analysis. Based on the available evidence, the clinical significance of this variant remains unclear.